The following is an entry in ClinVar:

ClinVar aggregate classification (germline): Likely benign. Review status: criteria provided, multiple submitters, no conflicts (2 of 4 stars). 2 submissions from 2 submitters: Likely benign (2). Last evaluated 2025-10-10.

Allele frequency attached by ClinVar (database versions not stated): gnomAD exomes 0.00002 and 0.00004; TOPMed 0.00002; ExAC 0.00003.
gnomAD v4.1: 9 of 1,607,176 alleles (0.00056%); highest among the groups gnomAD compares: Admixed American, 0.015%; no homozygotes.

Submissions (2):

Women's Health and Genetics/Laboratory Corporation of America, LabCorp
Classification: Likely benign. Last evaluated: 2025-10-10. Review status: criteria provided, single submitter. Criteria: LabCorp Variant Classification Summary - May 2015. Collection method: clinical testing. Allele origin: germline.
Comment: Variant summary: SEPTIN9 c.23-9A>G alters a conserved nucleotide located at a position not widely known to affect splicing. Consensus agreement among computation tools predict no significant impact on normal splicing. However, these predictions have yet to be confirmed by functional studies. The variant allele was found at a frequency of 3.7e-05 in 245376 control chromosomes. The available data on variant occurrences in the general population are insufficient to allow any conclusion about variant significance. To our knowledge, no occurrence of c.23-9A>G in individuals affected with SEPTIN9-related conditions and no experimental evidence demonstrating its impact on protein function have been reported. ClinVar contains an entry for this variant (Variation ID: 1682574). Based on the evidence outlined above, the variant was classified as likely benign.

Labcorp Genetics (formerly Invitae), Labcorp
Classification: Likely benign. Last evaluated: 2025-07-06. Review status: criteria provided, single submitter. Criteria: Invitae Variant Classification Sherloc (09022015). Collection method: clinical testing. Allele origin: germline.

NM_001113491.2(SEPTIN9):c.77-9A>G

Gene: SEPTIN9 (septin 9; plus strand). Cytogenetic location: 17q25.3.
Variant type: single nucleotide variant.
Coding change: c.77-9A>G on transcript NM_001113491.2 (MANE Select); 9 bases into the intron before coding-DNA position 77, A replaced by G.
Molecular consequence: intron variant.
Genome position (GRCh38, 1-based): chr17:77,402,050, A>G. VCF-style: chr17-77402050-A-G. GRCh37 (hg19) VCF-style: chr17-75398132-A-G.
Other names: c.20-9A>G (NM_001293695.2); c.-416-9A>G (NM_001113492.2, NM_001113494.1); c.23-9A>G (NM_006640.5); c.56-9A>G (NM_001113493.2).
Identifiers: ClinVar variation 1682574 (VCV001682574.8), dbSNP rs762895216, ClinGen allele CA8793117.